The following is an entry in ClinVar:

NM_005121.3(MED13):c.63C>T (p.Cys21=)

Genes: MED13 (mediator complex subunit 13; minus strand), LOC130061364 (ATAC-STARR-seq lymphoblastoid silent region 8803; plus strand). Cytogenetic location: 17q23.2.
Variant type: single nucleotide variant.
Coding change: c.63C>T on transcript NM_005121.3 (MANE Select); coding-DNA position 63, C replaced by T.
Protein change: p.Cys21=; no amino-acid change (cysteine 21 retained).
Molecular consequence: synonymous variant.
Genome position (GRCh38, 1-based): chr17:62,065,143, G>A on the plus strand (C>T on the coding strand, the complement: MED13 is on the minus strand). VCF-style: chr17-62065143-G-A. GRCh37 (hg19) VCF-style: chr17-60142504-G-A.
Identifiers: ClinVar variation 5041115 (VCV005041115.1).

ClinVar aggregate classification (germline): Likely benign (1 of 4 stars; one submission).

gnomAD v4.1: 6 of 1,572,052 alleles (0.00038%); highest among the groups gnomAD compares: Admixed American, 0.0054%; no homozygotes.

Submission:

CeGaT Center for Human Genetics Tuebingen
Classification: Likely benign. Last evaluated: 2026-09-01. Review status: criteria provided, single submitter. Criteria: CeGaT Center For Human Genetics Tuebingen Variant Classification Criteria Version 2. Collection method: clinical testing. Allele origin: germline. Affected: yes. Observed: 1 variant allele.
Comment: MED13: BP4, BP7